The following is an entry in ClinVar:

NM_017433.5(MYO3A):c.1450T>C (p.Ser484Pro)

Gene: MYO3A (myosin IIIA; plus strand). Cytogenetic location: 10p12.1.
Variant type: single nucleotide variant.
Coding change: c.1450T>C on transcript NM_017433.5 (MANE Select); coding-DNA position 1450, T replaced by C.
Protein change: p.Ser484Pro; replaces serine 484 with proline.
Molecular consequence: missense variant.
Genome position (GRCh38, 1-based): chr10:26,088,293, T>C. VCF-style: chr10-26088293-T-C. GRCh37 (hg19) VCF-style: chr10-26377222-T-C.
Other names: short protein forms S484P.
Identifiers: ClinVar variation 1712802 (VCV001712802.2), dbSNP rs548022921, ClinGen allele CA5444671.

ClinVar aggregate classification (germline): Uncertain significance (1 of 4 stars; one submission).

Allele frequency attached by ClinVar (database versions not stated): gnomAD exomes below 0.00001; TOPMed below 0.00001; ExAC 0.00001; gnomAD 0.00001; 1000 Genomes Project 30x 0.00016; 1000 Genomes Project 0.00020.
gnomAD v4.1: 9 of 1,613,854 alleles (0.00056%); highest among the groups gnomAD compares: East Asian, 0.016%; no homozygotes.

Submission:

GeneDx
Classification: Uncertain significance. Last evaluated: 2022-04-29. Review status: criteria provided, single submitter. Criteria: GeneDx Variant Classification Process June 2021. Collection method: clinical testing. Allele origin: germline. Affected: yes.
Comment: Not observed at significant frequency in large population cohorts (gnomAD); In silico analysis supports that this missense variant has a deleterious effect on protein structure/function; Has not been previously published as pathogenic or benign to our knowledge